The following is an entry in ClinVar:

NM_001130987.2(DYSF):c.3305G>T (p.Arg1102Leu)

Gene: DYSF (dysferlin; plus strand). Cytogenetic location: 2p13.2.
Variant type: single nucleotide variant.
Coding change: c.3305G>T on transcript NM_001130987.2 (MANE Select); coding-DNA position 3305, G replaced by T.
Protein change: p.Arg1102Leu; replaces arginine 1102 with leucine.
Molecular consequence: missense variant.
Genome position (GRCh38, 1-based): chr2:71,574,274, G>T. VCF-style: chr2-71574274-G-T. GRCh37 (hg19) VCF-style: chr2-71801404-G-T.
Other names: c.3254G>T, p.Arg1085Leu (NM_001130455.2, NM_001130983.2); c.3209G>T, p.Arg1070Leu (NM_001130976.2, NM_001130977.2); c.3251G>T, p.Arg1084Leu (NM_001130978.2, NM_003494.4); c.3344G>T, p.Arg1115Leu (NM_001130979.2); c.3302G>T, p.Arg1101Leu (NM_001130980.2, NM_001130981.2); c.3347G>T, p.Arg1116Leu (NM_001130982.2); c.3212G>T, p.Arg1071Leu (NM_001130984.2, NM_001130986.2); c.3305G>T, p.Arg1102Leu (NM_001130985.2); short protein forms R1084L, R1085L, R1115L, R1116L, R1101L, R1070L, R1071L, R1102L.
Identifiers: ClinVar variation 3506183 (VCV003506183.2).

ClinVar aggregate classification (germline): Uncertain significance. Review status: criteria provided, multiple submitters, no conflicts (2 of 4 stars). 2 submissions from 2 submitters: Uncertain significance (2). Last evaluated 2024-10-25.

Conditions:
Inborn genetic diseases. Identifiers: MedGen C0950123, MeSH D030342.

gnomAD v4.1: 24 of 1,614,034 alleles (0.0015%); highest among the groups gnomAD compares: Middle Eastern, 0.016%; no homozygotes.

Submissions (2):

Ambry Genetics
Classification: Uncertain significance for Inborn genetic diseases. Last evaluated: 2024-10-25. Review status: criteria provided, single submitter. Criteria: Ambry Variant Classification Scheme 2023. Collection method: clinical testing. Allele origin: germline.

Athena Diagnostics
Classification: Uncertain significance. Last evaluated: 2024-04-17. Review status: criteria provided, single submitter. Criteria: Athena Diagnostics Criteria. Collection method: clinical testing. Allele origin: unknown.
Comment: Available data are insufficient to determine the clinical significance of the variant at this time. The frequency of this variant in the general population is uninformative in assessment of its pathogenicity. Computational tools predict that this variant is damaging.